The following is an entry in ClinVar:

NM_000059.4(BRCA2):c.7210_7216delinsTG (p.Lys2404fs)

Gene: BRCA2 (BRCA2 DNA repair associated; plus strand). Cytogenetic location: 13q13.1.
Variant type: Indel.
Coding change: c.7210_7216delinsTG on transcript NM_000059.4 (MANE Select); coding-DNA positions 7210 to 7216, AAAGTCT replaced by TG.
Protein change: p.Lys2404fs; shifts the reading frame from lysine 2404.
Molecular consequence: frameshift variant.
Genome position (GRCh38, 1-based): chr13:32,355,063-32,355,069, AAAGTCT replaced by TG. VCF-style: chr13-32355063-AAAGTCT-TG. GRCh37 (hg19) VCF-style: chr13-32929200-AAAGTCT-TG.
Other names: c.7210_7216delAAAGTCTinsTG (NM_000059.3); short protein forms K2404fs.
Identifiers: ClinVar variation 52288 (VCV000052288.3), dbSNP rs397507904, ClinGen allele CA024964.

ClinVar aggregate classification (germline): Pathogenic. Review status: reviewed by expert panel (3 of 4 stars). 2 submissions from 2 submitters: Pathogenic (1). 1 of the submissions does not count toward it. Last evaluated 2017-12-15.

Conditions:
Breast-ovarian cancer, familial, susceptibility to, 2 (BROVCA2). Also called: BRCA2 Hereditary Breast and Ovarian Cancer. Identifiers: Orphanet 145, MedGen C2675520, MONDO:0012933, OMIM 612555. Disease mechanism: loss of function.
Familial cancer of breast. Also called: BREAST CANCER, FAMILIAL; Hereditary breast cancer; hereditary breast carcinoma. Identifiers: Orphanet 227535, MedGen C0346153, MONDO:0016419, OMIM 114480. Disease mechanism: loss of function.

Submissions (2):

Evidence-based Network for the Interpretation of Germline Mutant Alleles (ENIGMA)
Classification: Pathogenic for Breast-ovarian cancer, familial, susceptibility to, 2. Last evaluated: 2017-12-15. Review status: reviewed by expert panel. Criteria: ENIGMA BRCA1/2 Classification Criteria (2017-06-29). Collection method: curation. Allele origin: germline. Study: ENIGMA.
Comment: Variant allele predicted to encode a truncated non-functional protein.

ClinVar Staff, National Center for Biotechnology Information (NCBI)
No classification provided. Condition: Familial cancer of breast. Review status: no classification provided. Collection method: literature only. Allele origin: germline. Affected: yes. Not counted in ClinVar's aggregate classification.

Literature cited by the submitters: PubMed 20104584 (cited by ClinVar Staff, National Center for Biotechnology Information (NCBI)).